The following is an entry in ClinVar:

NM_001352027.3(PHF21A):c.2027A>C (p.Gln676Pro)

Gene: PHF21A (PHD finger protein 21A; minus strand). Cytogenetic location: 11p11.2.
Variant type: single nucleotide variant.
Coding change: c.2027A>C on transcript NM_001352027.3 (MANE Select); coding-DNA position 2027, A replaced by C.
Protein change: p.Gln676Pro; replaces glutamine 676 with proline.
Molecular consequence: missense variant. On other transcripts: non-coding transcript variant (2).
Genome position (GRCh38, 1-based): chr11:45,933,987, T>G on the plus strand (A>C on the coding strand, the complement: PHF21A is on the minus strand). VCF-style: chr11-45933987-T-G. GRCh37 (hg19) VCF-style: chr11-45955538-T-G.
Other names: c.2024A>C, p.Gln675Pro (NM_001101802.3); c.2027A>C, p.Gln676Pro (NM_001352025.3, NM_001352026.3); c.1886A>C, p.Gln629Pro (NM_001352028.1, NM_001352029.1, NM_016621.5); c.1883A>C, p.Gln628Pro (NM_001352030.3, NM_001352031.3, NM_001352032.3); short protein forms Q675P, Q628P, Q629P, Q676P.
Identifiers: ClinVar variation 2768930 (VCV002768930.3), dbSNP rs2495436724, ClinGen allele CA380252793.

ClinVar aggregate classification (germline): Uncertain significance (1 of 4 stars; one submission).

Allele frequency attached by ClinVar (database versions not stated): gnomAD exomes below 0.00001.
gnomAD v4.1: 1 of 1,576,254 alleles (0.000063%); highest among the groups gnomAD compares: African/African-American, 0.0014%; no homozygotes.

Submission:

Labcorp Genetics (formerly Invitae), Labcorp
Classification: Uncertain significance. Last evaluated: 2023-10-27. Review status: criteria provided, single submitter. Criteria: Invitae Variant Classification Sherloc (09022015). Collection method: clinical testing. Allele origin: germline.
Comment: This sequence change replaces glutamine, which is neutral and polar, with proline, which is neutral and non-polar, at codon 675 of the PHF21A protein (p.Gln675Pro). This variant is not present in population databases (gnomAD no frequency). This variant has not been reported in the literature in individuals affected with PHF21A-related conditions. Algorithms developed to predict the effect of missense changes on protein structure and function output the following: SIFT: "Not Available"; PolyPhen-2: "Benign"; Align-GVGD: "Not Available". The proline amino acid residue is found in multiple mammalian species, which suggests that this missense change does not adversely affect protein function. In summary, the available evidence is currently insufficient to determine the role of this variant in disease. Therefore, it has been classified as a Variant of Uncertain Significance.